The following is an entry in ClinVar:

NM_005045.4(RELN):c.2440T>C (p.Ser814Pro)

Gene: RELN (reelin; minus strand). Cytogenetic location: 7q22.1.
Variant type: single nucleotide variant.
Coding change: c.2440T>C on transcript NM_005045.4 (MANE Select); coding-DNA position 2440, T replaced by C.
Protein change: p.Ser814Pro; replaces serine 814 with proline.
Molecular consequence: missense variant.
Genome position (GRCh38, 1-based): chr7:103,635,450, A>G on the plus strand (T>C on the coding strand, the complement: RELN is on the minus strand). VCF-style: chr7-103635450-A-G. GRCh37 (hg19) VCF-style: chr7-103275897-A-G.
Other names: c.2440T>C, p.Ser814Pro (NM_173054.3); short protein forms S814P.
Identifiers: ClinVar variation 660796 (VCV000660796.16), dbSNP rs764681189, ClinGen allele CA4422005.

ClinVar aggregate classification (germline): Conflicting classifications of pathogenicity. Review status: criteria provided, conflicting classifications (1 of 4 stars). 5 submissions from 5 submitters: Uncertain significance (3); Likely benign (1). 1 of the submissions does not count toward it. Last evaluated 2025-05-07.

Conditions:
Familial temporal lobe epilepsy 7. Identifiers: Orphanet 101046, MedGen C4225327, MONDO:0014639, OMIM 616436.
Norman-Roberts syndrome (LIS2). Also called: Lissencephaly 2 (Norman-Roberts type). Identifiers: Orphanet 89844, MedGen C0796089, MONDO:0009760, OMIM 257320.
RELN-related disorder. Also called: RELN-related condition.

Allele frequency attached by ClinVar (database versions not stated): TOPMed below 0.00001; ExAC 0.00002; gnomAD 0.00002 and 0.00003; gnomAD exomes 0.00002 and 0.00004.
gnomAD v4.1: 43 of 1,613,862 alleles (0.0027%); highest among the groups gnomAD compares: South Asian, 0.021%; no homozygotes.

Submissions (5):

Labcorp Genetics (formerly Invitae), Labcorp
Classification: Likely benign for Familial temporal lobe epilepsy 7; Norman-Roberts syndrome. Last evaluated: 2025-05-07. Review status: criteria provided, single submitter. Criteria: Invitae Variant Classification Sherloc (09022015). Collection method: clinical testing. Allele origin: germline.

GeneDx
Classification: Uncertain significance. Last evaluated: 2022-02-24. Review status: criteria provided, single submitter. Criteria: GeneDx Variant Classification Process June 2021. Collection method: clinical testing. Allele origin: germline. Affected: yes.
Comment: Has not been previously published as pathogenic or benign to our knowledge; In silico analysis supports that this missense variant does not alter protein structure/function

Blueprint Genetics
Classification: Uncertain significance. Last evaluated: 2021-04-13. Review status: criteria provided, single submitter. Criteria: ACMG Guidelines, 2015. Collection method: clinical testing. Allele origin: germline.

Illumina Laboratory Services, Illumina
Classification: Uncertain significance for Norman-Roberts syndrome. Last evaluated: 2018-01-12. Review status: criteria provided, single submitter. Criteria: ICSL Variant Classification Criteria 13 December 2019. Collection method: clinical testing. Allele origin: germline.

PreventionGenetics, part of Exact Sciences
Classification: Uncertain significance for RELN-related condition. Last evaluated: 2024-02-21. Review status: no assertion criteria provided. Collection method: clinical testing. Allele origin: germline. Not counted in ClinVar's aggregate classification.
Comment: The RELN c.2440T>C variant is predicted to result in the amino acid substitution p.Ser814Pro. To our knowledge, this variant has not been reported in the literature. This variant is reported in 0.023% of alleles in individuals of South Asian descent in gnomAD. At this time, the clinical significance of this variant is uncertain due to the absence of conclusive functional and genetic evidence.